The following is an entry in ClinVar:

ClinVar aggregate classification (germline): Benign (1 of 4 stars; one submission).

Conditions:
Familial benign pemphigus (HHD). Identifiers: Orphanet 2841, MedGen C0085106, MONDO:0008218, OMIM 169600.

Allele frequency attached by ClinVar (database versions not stated): gnomAD 0.00217 and 0.00237; 1000 Genomes Project 30x 0.00234; TOPMed 0.00251; 1000 Genomes Project 0.00260.
gnomAD v4.1: 502 of 985,794 alleles (0.051%); highest among the groups gnomAD compares: African/African-American, 0.81%; no homozygotes.

Submission:

Illumina Laboratory Services, Illumina
Classification: Benign for Familial benign pemphigus. Last evaluated: 2018-01-13. Review status: criteria provided, single submitter. Criteria: ICSL Variant Classification Criteria 13 December 2019. Collection method: clinical testing. Allele origin: germline.
Comment: This variant was observed in the ICSL laboratory as part of a predisposition screen in an ostensibly healthy population. It had not been previously curated by ICSL or reported in the Human Gene Mutation Database (HGMD: prior to June 1st, 2018), and was therefore a candidate for classification through an automated scoring system. Utilizing variant allele frequency, disease prevalence and penetrance estimates, and inheritance mode, an automated score was calculated to assess if this variant is too frequent to cause the disease. Based on the score and internal cut-off values, a variant classified as benign is not then subjected to further curation. The score for this variant resulted in a classification of benign for this disease.

NM_001378687.1(ATP2C1):c.*1545A>G

Gene: ATP2C1 (ATPase secretory pathway Ca2+ transporting 1; plus strand). Cytogenetic location: 3q22.1.
Variant type: single nucleotide variant.
Coding change: c.*1545A>G on transcript NM_001378687.1 (MANE Select); 1545 bases downstream of the stop codon, A replaced by G.
Molecular consequence: 3 prime UTR variant. On other transcripts: intron variant (11).
Genome position (GRCh38, 1-based): chr3:131,002,895, A>G. VCF-style: chr3-131002895-A-G. GRCh37 (hg19) VCF-style: chr3-130721739-A-G.
Other names: c.*1545A>G (NM_001199179.3, NM_001199181.3, NM_001199184.3 and 1 more transcripts); c.2856+1551A>G (NM_001378511.1); c.2826+1581A>G (NM_001199180.2); c.2739+1551A>G (NM_001199182.2); c.2754+1551A>G (NM_001001486.2, NM_001378512.1); c.2724+1581A>G (NM_001001487.2, NM_001378513.1); c.2629+3236A>G (NM_001001485.3, NM_001199185.2); c.2706+1551A>G (NM_001378514.1); and 1 more.
Identifiers: ClinVar variation 900850 (VCV000900850.4), dbSNP rs372789446, ClinGen allele CA83508111.